The following is an entry in ClinVar:

ClinVar aggregate classification (germline): Uncertain significance. Review status: criteria provided, multiple submitters, no conflicts (2 of 4 stars). 2 submissions from 2 submitters: Uncertain significance (2). Last evaluated 2025-09-10.

Conditions:
Hereditary cancer-predisposing syndrome. Also called: Hereditary Cancer Syndrome; Neoplastic Syndromes, Hereditary; Tumor predisposition; Hereditary neoplastic syndrome. Identifiers: Orphanet 140162, MedGen C0027672, MeSH D009386, MONDO:0015356.
Familial thoracic aortic aneurysm and aortic dissection (TAAD). Also called: Thoracic aortic aneurysms and dissections. Identifiers: Orphanet 91387, MedGen C4707243, MONDO:0019625.
Juvenile polyposis syndrome (JPS). Identifiers: Orphanet 2929, MedGen C0345893, MONDO:0017380, OMIM 174900.

Submissions (2):

Labcorp Genetics (formerly Invitae), Labcorp
Classification: Uncertain significance for Juvenile polyposis syndrome. Last evaluated: 2025-09-10. Review status: criteria provided, single submitter. Criteria: Invitae Variant Classification Sherloc (09022015). Collection method: clinical testing. Allele origin: germline.
Comment: This sequence change replaces tyrosine, which is neutral and polar, with histidine, which is basic and polar, at codon 162 of the SMAD4 protein (p.Tyr162His). This variant is not present in population databases (gnomAD no frequency). This variant has not been reported in the literature in individuals affected with SMAD4-related conditions. ClinVar contains an entry for this variant (Variation ID: 186701). Invitae Evidence Modeling of protein sequence and biophysical properties (such as structural, functional, and spatial information, amino acid conservation, physicochemical variation, residue mobility, and thermodynamic stability) has been performed for this missense variant. However, the output from this modeling did not meet the statistical confidence thresholds required to predict the impact of this variant on SMAD4 protein function. In summary, the available evidence is currently insufficient to determine the role of this variant in disease. Therefore, it has been classified as a Variant of Uncertain Significance.

Ambry Genetics
Classification: Uncertain significance for Hereditary cancer-predisposing syndrome; Familial thoracic aortic aneurysm and aortic dissection. Last evaluated: 2025-06-23. Review status: criteria provided, single submitter. Criteria: Ambry Variant Classification Scheme 2023. Collection method: clinical testing. Allele origin: germline.
Comment: The p.Y162H variant (also known as c.484T>C), located in coding exon 4 of the SMAD4 gene, results from a T to C substitution at nucleotide position 484. The tyrosine at codon 162 is replaced by histidine, an amino acid with similar properties. This amino acid position is highly conserved in available vertebrate species. In addition, the in silico prediction for this alteration is inconclusive. Based on the available evidence, the clinical significance of this variant remains unclear.

NM_005359.6(SMAD4):c.484T>C (p.Tyr162His)

Gene: SMAD4 (SMAD family member 4; plus strand). Cytogenetic location: 18q21.2.
Variant type: single nucleotide variant.
Coding change: c.484T>C on transcript NM_005359.6 (MANE Select); coding-DNA position 484, T replaced by C.
Protein change: p.Tyr162His; replaces tyrosine 162 with histidine.
Molecular consequence: missense variant.
Genome position (GRCh38, 1-based): chr18:51,054,810, T>C. VCF-style: chr18-51054810-T-C. GRCh37 (hg19) VCF-style: chr18-48581180-T-C.
Other names: short protein forms Y162H.
Identifiers: ClinVar variation 186701 (VCV000186701.15), dbSNP rs786203155, ClinGen allele CA195603.